The following is an entry in ClinVar:

ClinVar aggregate classification (germline): Uncertain significance. Review status: criteria provided, multiple submitters, no conflicts (2 of 4 stars). 3 submissions from 3 submitters: Uncertain significance (3). Last evaluated 2020-04-29.

Conditions:
Autosomal recessive limb-girdle muscular dystrophy type 2J (LGMDR10). Also called: Limb-girdle muscular dystrophy, type 2J; MUSCULAR DYSTROPHY, LIMB-GIRDLE, AUTOSOMAL RECESSIVE 10. Identifiers: Orphanet 140922, MedGen C1837342, MONDO:0012127, OMIM 608807.
Dilated cardiomyopathy 1G (CMD1G). Identifiers: Orphanet 154, MedGen C1858763, MONDO:0011400, OMIM 604145.
Cardiovascular phenotype. Identifiers: MedGen CN230736.

Allele frequency attached by ClinVar (database versions not stated): gnomAD exomes 0.00001 and 0.00002; ExAC 0.00002; TOPMed 0.00002; gnomAD 0.00003; 1000 Genomes Project 30x 0.00016; 1000 Genomes Project 0.00020.
gnomAD v4.1: 19 of 1,612,818 alleles (0.0012%); highest among the groups gnomAD compares: African/African-American, 0.004%; no homozygotes.

Submissions (3):

Ambry Genetics
Classification: Uncertain significance for Cardiovascular phenotype. Last evaluated: 2020-04-29. Review status: criteria provided, single submitter. Criteria: Ambry Variant Classification Scheme 2023. Collection method: clinical testing. Allele origin: germline.
Comment: The p.R13223H variant (also known as c.39668G>A), located in coding exon 144 of the TTN gene, results from a G to A substitution at nucleotide position 39668. The arginine at codon 13223 is replaced by histidine, an amino acid with highly similar properties. This amino acid position is highly conserved in available vertebrate species. In addition, this alteration is predicted to be tolerated by in silico analysis. Since supporting evidence is limited at this time, the clinical significance of this alteration remains unclear.

Labcorp Genetics (formerly Invitae), Labcorp
Classification: Uncertain significance for Dilated cardiomyopathy 1G; Autosomal recessive limb-girdle muscular dystrophy type 2J. Last evaluated: 2017-10-25. Review status: criteria provided, single submitter. Criteria: Invitae Variant Classification Sherloc (09022015). Collection method: clinical testing. Allele origin: germline.

Eurofins Ntd Llc (ga)
Classification: Uncertain significance. Last evaluated: 2016-10-19. Review status: criteria provided, single submitter. Criteria: EGL Classification Definitions 2015. Collection method: clinical testing. Allele origin: germline. Observed: 1 variant allele, 1 heterozygote.

NM_001267550.2(TTN):c.66863G>A (p.Arg22288His)

Genes: TTN-AS1 (TTN antisense RNA 1; plus strand), TTN (titin; minus strand). Cytogenetic location: 2q31.2.
Variant type: single nucleotide variant.
Coding change: c.66863G>A on transcript NM_001267550.2 (MANE Select); coding-DNA position 66863, G replaced by A.
Protein change: p.Arg22288His; replaces arginine 22288 with histidine.
Molecular consequence: missense variant.
Genome position (GRCh38, 1-based): chr2:178,580,516, C>T on the plus strand (G>A on the coding strand, the complement: TTN is on the minus strand). VCF-style: chr2-178580516-C-T. GRCh37 (hg19) VCF-style: chr2-179445243-C-T.
Other names: c.61940G>A, p.Arg20647His (NM_001256850.1); c.39668G>A, p.Arg13223His (NM_003319.4); c.59159G>A, p.Arg19720His (NM_133378.4); c.40043G>A, p.Arg13348His (NM_133432.3); c.40244G>A, p.Arg13415His (NM_133437.4); short protein forms R22288H, R19720H, R13223H, R20647H, R13348H, R13415H.
Identifiers: ClinVar variation 467395 (VCV000467395.9), dbSNP rs537871205, ClinGen allele CA1991406.